The following is an entry in ClinVar:

NC_000012.12:g.114266710G>T

Genes: TBX5 (T-box transcription factor 5; minus strand), LOC109280163 (CRE9 enhancer downstream of TBX5; plus strand). Cytogenetic location: 12q24.21.
Variant type: single nucleotide variant.
Genome position: GRCh38 VCF-style: chr12-114266710-G-T. GRCh37 (hg19) VCF-style: chr12-114704515-G-T.
Identifiers: ClinVar variation 3046110 (VCV003046110.11), dbSNP rs141875471, ClinGen allele CA244112177.

ClinVar aggregate classification (germline): Likely benign. Review status: criteria provided, multiple submitters, no conflicts (2 of 4 stars). 3 submissions from 3 submitters: Likely benign (3). Last evaluated 2026-02-14.

Conditions:
TBX5-related disorder. Also called: TBX5-related condition.

Allele frequency attached by ClinVar (database versions not stated): 1000 Genomes Project 0.00100; 1000 Genomes Project 30x 0.00109.

Submissions (3):

PreventionGenetics, part of Exact Sciences
Classification: Likely benign for TBX5-related condition. Last evaluated: 2026-02-14. Review status: criteria provided, single submitter. Criteria: ACMG Guidelines, 2015. Collection method: clinical testing. Allele origin: germline.
Comment: This variant is classified as likely benign based on ACMG/AMP sequence variant interpretation guidelines (Richards et al. 2015 PMID: 25741868, with internal and published modifications).

CeGaT Center for Human Genetics Tuebingen
Classification: Likely benign. Last evaluated: 2025-03-01. Review status: criteria provided, single submitter. Criteria: CeGaT Center For Human Genetics Tuebingen Variant Classification Criteria Version 2. Collection method: clinical testing. Allele origin: germline. Affected: yes. Observed: 1 variant allele.
Comment: TBX5: BS2

Blueprint Genetics
Classification: Likely benign. Last evaluated: 2024-11-06. Review status: criteria provided, single submitter. Criteria: ACMG Guidelines, 2015. Collection method: clinical testing. Allele origin: germline.